The following is an entry in ClinVar:

ClinVar aggregate classification (germline): Uncertain significance (1 of 4 stars; one submission).

Submission:

Labcorp Genetics (formerly Invitae), Labcorp
Classification: Uncertain significance. Last evaluated: 2023-07-07. Review status: criteria provided, single submitter. Criteria: Invitae Variant Classification Sherloc (09022015). Collection method: clinical testing. Allele origin: germline.
Comment: In summary, the available evidence is currently insufficient to determine the role of this variant in disease. Therefore, it has been classified as a Variant of Uncertain Significance. Advanced modeling of protein sequence and biophysical properties (such as structural, functional, and spatial information, amino acid conservation, physicochemical variation, residue mobility, and thermodynamic stability) performed at Invitae indicates that this missense variant is expected to disrupt KANK1 protein function. ClinVar contains an entry for this variant (Variation ID: 1923481). This variant has not been reported in the literature in individuals affected with KANK1-related conditions. This variant is not present in population databases (gnomAD no frequency). This sequence change replaces proline, which is neutral and non-polar, with histidine, which is basic and polar, at codon 182 of the KANK1 protein (p.Pro182His).

NM_015158.5(KANK1):c.545C>A (p.Pro182His)

Gene: KANK1 (KN motif and ankyrin repeat domains 1; plus strand). Cytogenetic location: 9p24.3.
Variant type: single nucleotide variant.
Coding change: c.545C>A on transcript NM_015158.5 (MANE Select); coding-DNA position 545, C replaced by A.
Protein change: p.Pro182His; replaces proline 182 with histidine.
Molecular consequence: missense variant. On other transcripts: non-coding transcript variant (1).
Genome position (GRCh38, 1-based): chr9:711,311, C>A. VCF-style: chr9-711311-C-A. GRCh37 (hg19) VCF-style: chr9-711311-C-A.
Other names: c.545C>A, p.Pro182His (NM_001256876.3, NM_001256877.3, NM_001354331.2 and 2 more transcripts); c.71C>A, p.Pro24His (NM_001354333.2, NM_001354335.2, NM_001354336.2 and 9 more transcripts); short protein forms P182H, P24H.
Identifiers: ClinVar variation 1923481 (VCV001923481.5), dbSNP rs914274237, ClinGen allele CA372746379.